The following is an entry in ClinVar:

NM_000384.3(APOB):c.4591A>C (p.Asn1531His)

Gene: APOB (apolipoprotein B; minus strand). Cytogenetic location: 2p24.1.
Variant type: single nucleotide variant.
Coding change: c.4591A>C on transcript NM_000384.3 (MANE Select); coding-DNA position 4591, A replaced by C.
Protein change: p.Asn1531His; replaces asparagine 1531 with histidine.
Molecular consequence: missense variant.
Genome position (GRCh38, 1-based): chr2:21,012,277, T>G on the plus strand (A>C on the coding strand, the complement: APOB is on the minus strand). VCF-style: chr2-21012277-T-G. GRCh37 (hg19) VCF-style: chr2-21235149-T-G.
Other names: short protein forms N1531H.
Identifiers: ClinVar variation 801049 (VCV000801049.7), dbSNP rs1169900515, ClinGen allele CA346006559.
Genomic context (GRCh38, chr2:21,012,277, plus strand): 5'-GCAGATCAGAGGTGGAGGTGAGGGAGAGGGTTCCATCTTCATATCTTCCTGTTATCTGGT[T>G]GGTGCCTTGGAGGTAGGAGGAGTTAAACCTCAGGTTGGACTCTCCATTGAGCCGGCCAGT-3'
Protein context (NP_000375.3, residues 1521-1541): RFNSSYLQGT[Asn1531His]QITGRYEDGT

ClinVar aggregate classification (germline): Uncertain significance. Review status: criteria provided, multiple submitters, no conflicts (2 of 4 stars). 2 submissions from 2 submitters: Uncertain significance (2). Last evaluated 2024-11-30.

Allele frequency attached by ClinVar (database versions not stated): gnomAD 0.00001; gnomAD exomes 0.00001; TOPMed 0.00001.

Submissions (2):

GeneDx
Classification: Uncertain significance. Last evaluated: 2024-11-30. Review status: criteria provided, single submitter. Criteria: GeneDx Variant Classification Process June 2021. Collection method: clinical testing. Allele origin: germline. Affected: yes.
Comment: Not observed at significant frequency in large population cohorts (gnomAD); In silico analysis supports that this missense variant has a deleterious effect on protein structure/function; Has not been previously published as pathogenic or benign to our knowledge; Also known as

Quest Diagnostics Nichols Institute San Juan Capistrano
Classification: Uncertain significance. Last evaluated: 2019-05-14. Review status: criteria provided, single submitter. Criteria: Quest Diagnostics criteria. Collection method: clinical testing. Allele origin: germline.

Literature cited by the submitters: PubMed 30076208 (cited by Quest Diagnostics Nichols Institute San Juan Capistrano).